The following is an entry in ClinVar:

NM_020944.3(GBA2):c.715dup (p.Tyr239fs)

Gene: GBA2 (glucosylceramidase beta 2; minus strand). Cytogenetic location: 9p13.3.
Variant type: Duplication.
Coding change: c.715dup on transcript NM_020944.3 (MANE Select); coding-DNA position 715, one base duplicated (T; older notation c.715dupT).
Protein change: p.Tyr239fs; shifts the reading frame from tyrosine 239.
Molecular consequence: frameshift variant.
Genome position (GRCh38, 1-based): chr9:35,741,743, A duplicated on the plus strand (T on the coding strand, the reverse complement: GBA2 is on the minus strand). VCF-style (leftmost placement, unchanged base first): chr9-35741742-T-TA. GRCh37 (hg19) VCF-style: chr9-35741739-T-TA.
Other names: c.715dup, p.Tyr239fs (NM_001330660.2); short protein forms Y239fs.
Identifiers: ClinVar variation 2574041 (VCV002574041.3), dbSNP rs2490908908, ClinGen allele CA2580616194.

ClinVar aggregate classification (germline): Likely pathogenic. Review status: criteria provided, single submitter (1 of 4 stars). 2 submissions from 1 submitter: Likely pathogenic (2). Last evaluated 2023-07-26.

Conditions:
CEP290-related ciliopathy. Also called: CEP290 ciliopathy. Identifiers: MedGen CN305601, MONDO:0100451.
Hereditary spastic paraplegia 46. Also called: Spastic paraplegia 46, autosomal recessive. Identifiers: Orphanet 320391, MedGen C2828721, MONDO:0013737, OMIM 614409.

Allele frequency attached by ClinVar (database versions not stated): gnomAD exomes below 0.00001.

Submissions (2):

Intergen Genetics and Rare Diseases Diagnosis Center
Classification: Likely pathogenic for Hereditary spastic paraplegia 46. Last evaluated: 2023-07-26. Review status: criteria provided, single submitter. Criteria: ACMG Guidelines, 2015. Collection method: clinical testing. Allele origin: biparental. Inheritance: Autosomal recessive inheritance. Affected: yes. Observed: 1 homozygote.

Intergen Genetics and Rare Diseases Diagnosis Center
Classification: Likely pathogenic for CEP290-related ciliopathy. Last evaluated: 2023-07-06. Review status: criteria provided, single submitter. Criteria: ACMG Guidelines, 2015. Collection method: clinical testing. Allele origin: unknown. Inheritance: Autosomal recessive inheritance. Affected: no. Observed: 1 heterozygote.
Comment: PVS1, PM2